The following is an entry in ClinVar:

NM_197968.4(ZMYM2):c.1222C>G (p.Leu408Val)

Gene: ZMYM2 (zinc finger MYM-type containing 2; plus strand). Cytogenetic location: 13q12.11.
Variant type: single nucleotide variant.
Coding change: c.1222C>G on transcript NM_197968.4 (MANE Select); coding-DNA position 1222, C replaced by G.
Protein change: p.Leu408Val; replaces leucine 408 with valine.
Molecular consequence: missense variant. On other transcripts: non-coding transcript variant (1).
Genome position (GRCh38, 1-based): chr13:20,005,162, C>G. VCF-style: chr13-20005162-C-G. GRCh37 (hg19) VCF-style: chr13-20579302-C-G.
Other names: c.1222C>G, p.Leu408Val (NM_001190964.4, NM_001190965.4, NM_001353157.2 and 5 more transcripts); c.1027C>G, p.Leu343Val (NM_001353161.3); c.961C>G, p.Leu321Val (NM_001353163.2); short protein forms L321V, L343V, L408V.
Identifiers: ClinVar variation 4278689 (VCV004278689.1).

ClinVar aggregate classification (germline): Uncertain significance (1 of 4 stars; one submission).

Submission:

GeneDx
Classification: Uncertain significance. Last evaluated: 2025-03-25. Review status: criteria provided, single submitter. Criteria: GeneDx Variant Classification Process June 2021. Collection method: clinical testing. Allele origin: germline. Affected: yes.
Comment: Not observed at significant frequency in large population cohorts (gnomAD); In silico analysis indicates that this missense variant does not alter protein structure/function; Has not been previously published as pathogenic or benign to our knowledge